The following is an entry in ClinVar:

ClinVar aggregate classification (germline): Conflicting classifications of pathogenicity. Review status: criteria provided, conflicting classifications (1 of 4 stars). 3 submissions from 3 submitters: Uncertain significance (1); Likely benign (1). 1 of the submissions does not count toward it. Last evaluated 2025-07-03.

Conditions:
Hereditary cancer-predisposing syndrome. Also called: Neoplastic Syndromes, Hereditary; Tumor predisposition; Hereditary neoplastic syndrome; Hereditary Cancer Syndrome. Identifiers: Orphanet 140162, MedGen C0027672, MeSH D009386, MONDO:0015356.

gnomAD v4.1: 1 of 1,613,692 alleles (0.000062%); no homozygotes.

Submissions (3):

Ambry Genetics
Classification: Uncertain significance for Hereditary cancer-predisposing syndrome. Last evaluated: 2025-07-03. Review status: criteria provided, single submitter. Criteria: Ambry Variant Classification Scheme 2023. Collection method: clinical testing. Allele origin: germline.
Comment: The c.579-3T>C intronic variant results from a T to C substitution 3 nucleotides upstream from coding exon 7 in the POLE gene. This nucleotide position is not well conserved in available vertebrate species. In silico splice site analysis predicts that this alteration will not have any significant effect on splicing. Based on the available evidence, the clinical significance of this variant remains unclear.

Labcorp Genetics (formerly Invitae), Labcorp
Classification: Likely benign. Last evaluated: 2025-02-07. Review status: criteria provided, single submitter. Criteria: Invitae Variant Classification Sherloc (09022015). Collection method: clinical testing. Allele origin: germline.

Genetic Services Laboratory, University of Chicago
Classification: Uncertain significance. Last evaluated: 2022-09-15. Review status: no assertion criteria provided. Collection method: clinical testing. Allele origin: germline. Affected: no. Not counted in ClinVar's aggregate classification.
Comment: DNA sequence analysis of the POLE gene demonstrated a sequence change in intron 6, c.579-3T>C. This change does not appear to have been previously described in individuals with POLE-related disorders and has also not been described in population databases such as ExAC and gnomAD. This sequence change is not predicted to have a deleterious effect on splicing based on in-silico splice prediction programs. It is possible that this sequence change represents a benign sequence change in the POLE gene that has not been identified to date. The functional significance of this sequence change is not known at present and its contribution to this individual's disease phenotype cannot definitively be determined.

NM_006231.4(POLE):c.579-3T>C

Gene: POLE (DNA polymerase epsilon, catalytic subunit; minus strand). Cytogenetic location: 12q24.33.
Variant type: single nucleotide variant.
Coding change: c.579-3T>C on transcript NM_006231.4 (MANE Select); 3 bases into the intron before coding-DNA position 579, T replaced by C.
Molecular consequence: intron variant.
Genome position (GRCh38, 1-based): chr12:132,677,722, A>G on the plus strand (T>C on the coding strand, the complement: POLE is on the minus strand). VCF-style: chr12-132677722-A-G. GRCh37 (hg19) VCF-style: chr12-133254308-A-G.
Other names: c.579-3T>C (NM_006231.3).
Identifiers: ClinVar variation 825972 (VCV000825972.15), dbSNP rs1593082215, ClinGen allele CA915946769.